The following is an entry in ClinVar:

ClinVar aggregate classification (germline): Likely benign. Review status: criteria provided, multiple submitters, no conflicts (2 of 4 stars). 4 submissions from 4 submitters: Likely benign (3). 1 of the submissions does not count toward it. Last evaluated 2024-09-16.

Conditions:
Hereditary cancer-predisposing syndrome. Also called: Hereditary Cancer Syndrome; Hereditary neoplastic syndrome; Neoplastic Syndromes, Hereditary; Tumor predisposition. Identifiers: Orphanet 140162, MedGen C0027672, MeSH D009386, MONDO:0015356.
Hereditary diffuse gastric adenocarcinoma (HDGC). Also called: DIFFUSE GASTRIC AND LOBULAR BREAST CANCER SYNDROME. Identifiers: Orphanet 26106, MedGen C1708349, MONDO:0007648, OMIM 137215.
Malignant tumor of breast. Also called: Malignant breast neoplasm; Cancer breast. Identifiers: MedGen C0006142, MONDO:0007254. Disease mechanism: loss of function.

gnomAD v4.1: 3 of 1,613,044 alleles (0.00019%); no homozygotes.

Submissions (4):

Myriad Genetics, Inc.
Classification: Likely benign for Hereditary diffuse gastric adenocarcinoma. Last evaluated: 2024-09-16. Review status: criteria provided, single submitter. Criteria: Myriad Autosomal Dominant, Autosomal Recessive and X-Linked Classification Criteria (2023). Collection method: clinical testing. Allele origin: unknown.
Comment: This variant is considered likely benign. This variant is intronic and is not expected to impact mRNA splicing.

Labcorp Genetics (formerly Invitae), Labcorp
Classification: Likely benign for Hereditary diffuse gastric adenocarcinoma. Last evaluated: 2024-02-25. Review status: criteria provided, single submitter. Criteria: Invitae Variant Classification Sherloc (09022015). Collection method: clinical testing. Allele origin: germline.

Color Diagnostics, LLC DBA Color Health
Classification: Likely benign for Hereditary cancer-predisposing syndrome. Last evaluated: 2019-01-03. Review status: criteria provided, single submitter. Criteria: ACMG Guidelines, 2015. Collection method: clinical testing. Allele origin: germline.

Department of Pathology and Laboratory Medicine, Sinai Health System
Classification: Likely benign for Malignant tumor of breast. Review status: no assertion criteria provided. Collection method: clinical testing. Allele origin: unknown. Affected: yes. Study: The Canadian Open Genetics Repository (COGR). Not counted in ClinVar's aggregate classification.
Comment: The CDH1 c.832+9A>G variant was not identified in the literature. The variant was identified in dbSNP (ID: rs1057521268) as "With Likely benign allele", and ClinVar (classified as likely benign by Invitae, GeneDx and two other submitters; as benign by one clinical laboratory). The variant was identified in control databases in 1 of 246070 chromosomes at a frequency of 0.000004 (Genome Aggregation Database Feb 27, 2017). The variant was observed in the Finnish in 1 of 22294 chromosomes (freq: 0.00005), while the variant was not observed in the African, Other, Latino, European, Ashkenazi Jewish, East Asian, and South Asian populations. The variant occurs outside of the splicing consensus sequence and in silico or computational prediction software programs (SpliceSiteFinder, MaxEntScan, NNSPLICE, GeneSplicer) do not predict a difference in splicing. In summary, based on the above information the clinical significance of this variant cannot be determined with certainty at this time although we would lean towards a more benign role for this variant. This variant is classified as likely benign.

NM_004360.5(CDH1):c.832+9A>G

Gene: CDH1 (cadherin 1; plus strand). Cytogenetic location: 16q22.1.
Variant type: single nucleotide variant.
Coding change: c.832+9A>G on transcript NM_004360.5 (MANE Select); 9 bases into the intron after coding-DNA position 832, A replaced by G.
Molecular consequence: intron variant.
Genome position (GRCh38, 1-based): chr16:68,810,350, A>G. VCF-style: chr16-68810350-A-G. GRCh37 (hg19) VCF-style: chr16-68844253-A-G.
Other names: c.-784+9A>G (NM_001317185.2); c.-988+9A>G (NM_001317186.2); c.832+9A>G (NM_001317184.2).
Identifiers: ClinVar variation 920735 (VCV000920735.14), dbSNP rs1057521268, ClinGen allele CA623136686.